The following is an entry in ClinVar:

ClinVar aggregate classification (germline): Uncertain significance. Review status: criteria provided, multiple submitters, no conflicts (2 of 4 stars). 2 submissions from 2 submitters: Uncertain significance (2). Last evaluated 2025-05-20.

Conditions:
Inborn genetic diseases. Identifiers: MedGen C0950123, MeSH D030342.

Allele frequency attached by ClinVar (database versions not stated): gnomAD 0.00016 and 0.00018; ExAC 0.00003; gnomAD exomes 0.00005; TOPMed 0.00024; ESP Exome Variant Server 0.00031.
gnomAD v4.1: 54 of 1,614,104 alleles (0.0033%); highest among the groups gnomAD compares: African/African-American, 0.067%; no homozygotes.

Submissions (2):

Ambry Genetics
Classification: Uncertain significance for Inborn genetic diseases. Last evaluated: 2025-05-20. Review status: criteria provided, single submitter. Criteria: Ambry Variant Classification Scheme 2023. Collection method: clinical testing. Allele origin: germline.

Labcorp Genetics (formerly Invitae), Labcorp
Classification: Uncertain significance. Last evaluated: 2022-06-13. Review status: criteria provided, single submitter. Criteria: Invitae Variant Classification Sherloc (09022015). Collection method: clinical testing. Allele origin: germline.
Comment: This sequence change replaces leucine, which is neutral and non-polar, with valine, which is neutral and non-polar, at codon 125 of the CUL7 protein (p.Leu125Val). This variant is present in population databases (rs144842508, gnomAD 0.06%). This variant has not been reported in the literature in individuals affected with CUL7-related conditions. ClinVar contains an entry for this variant (Variation ID: 1037780). Algorithms developed to predict the effect of missense changes on protein structure and function are either unavailable or do not agree on the potential impact of this missense change (SIFT: "Deleterious"; PolyPhen-2: "Probably Damaging"; Align-GVGD: "Class C0"). Algorithms developed to predict the effect of sequence changes on RNA splicing suggest that this variant may create or strengthen a splice site. In summary, the available evidence is currently insufficient to determine the role of this variant in disease. Therefore, it has been classified as a Variant of Uncertain Significance.

NM_014780.5(CUL7):c.373C>G (p.Leu125Val)

Gene: CUL7 (cullin 7; minus strand). Cytogenetic location: 6p21.1.
Variant type: single nucleotide variant.
Coding change: c.373C>G on transcript NM_014780.5 (MANE Select); coding-DNA position 373, C replaced by G.
Protein change: p.Leu125Val; replaces leucine 125 with valine.
Molecular consequence: missense variant.
Genome position (GRCh38, 1-based): chr6:43,052,416, G>C on the plus strand (C>G on the coding strand, the complement: CUL7 is on the minus strand). VCF-style: chr6-43052416-G-C. GRCh37 (hg19) VCF-style: chr6-43020154-G-C.
Other names: c.373C>G, p.Leu125Val (NM_001168370.2, NM_001374872.1, NM_001374873.1 and 1 more transcripts); c.373C>G (NM_014780.4); short protein forms L125V.
Identifiers: ClinVar variation 1037780 (VCV001037780.7), dbSNP rs144842508, ClinGen allele CA3814403.